The following is an entry in ClinVar:

ClinVar aggregate classification (germline): Uncertain significance. Review status: criteria provided, multiple submitters, no conflicts (2 of 4 stars). 2 submissions from 2 submitters: Uncertain significance (2). Last evaluated 2024-10-15.

Conditions:
Inborn genetic diseases. Identifiers: MedGen C0950123, MeSH D030342.

gnomAD v4.1: 10 of 1,614,000 alleles (0.00062%); highest among the groups gnomAD compares: East Asian, 0.0022%; no homozygotes.

Submissions (2):

Labcorp Genetics (formerly Invitae), Labcorp
Classification: Uncertain significance. Last evaluated: 2024-10-15. Review status: criteria provided, single submitter. Criteria: Invitae Variant Classification Sherloc (09022015). Collection method: clinical testing. Allele origin: germline.
Comment: This sequence change replaces glutamic acid, which is acidic and polar, with lysine, which is basic and polar, at codon 366 of the SERPINF1 protein (p.Glu366Lys). This variant is present in population databases (rs764446787, gnomAD 0.003%). This variant has not been reported in the literature in individuals affected with SERPINF1-related conditions. ClinVar contains an entry for this variant (Variation ID: 1483159). Invitae Evidence Modeling of protein sequence and biophysical properties (such as structural, functional, and spatial information, amino acid conservation, physicochemical variation, residue mobility, and thermodynamic stability) indicates that this missense variant is not expected to disrupt SERPINF1 protein function with a negative predictive value of 80%. In summary, the available evidence is currently insufficient to determine the role of this variant in disease. Therefore, it has been classified as a Variant of Uncertain Significance.

Ambry Genetics
Classification: Uncertain significance for Inborn genetic diseases. Last evaluated: 2023-12-17. Review status: criteria provided, single submitter. Criteria: Ambry Variant Classification Scheme 2023. Collection method: clinical testing. Allele origin: germline.

NM_002615.7(SERPINF1):c.1096G>A (p.Glu366Lys)

Gene: SERPINF1 (serpin family F member 1; plus strand). Cytogenetic location: 17p13.3.
Variant type: single nucleotide variant.
Coding change: c.1096G>A on transcript NM_002615.7 (MANE Select); coding-DNA position 1096, G replaced by A.
Protein change: p.Glu366Lys; replaces glutamic acid 366 with lysine.
Molecular consequence: missense variant.
Genome position (GRCh38, 1-based): chr17:1,777,285, G>A. VCF-style: chr17-1777285-G-A. GRCh37 (hg19) VCF-style: chr17-1680579-G-A.
Other names: c.1096G>A (NM_002615.5); c.1096G>A, p.Glu366Lys (NM_001329903.2); c.535G>A, p.Glu179Lys (NM_001329904.2, NM_001329905.2); short protein forms E179K, E366K.
Identifiers: ClinVar variation 1483159 (VCV001483159.7), dbSNP rs764446787, ClinGen allele CA8274958.